The following is an entry in ClinVar:

NC_000017.10:g.(?_29654575)_(29667842_?)del

Gene: NF1 (neurofibromin 1; plus strand). Cytogenetic location: 17q11.2.
Variant type: Deletion.
Identifiers: ClinVar variation 2422743 (VCV002422743.3).

ClinVar aggregate classification (germline): Pathogenic (1 of 4 stars; one submission).

Conditions:
Neurofibromatosis, type 1 (NF1). Also called: Peripheral type neurofibromatosis; VON RECKLINGHAUSEN DISEASE; NEUROFIBROMATOSIS, TYPE I, SOMATIC; Neurofibromatosis, type I. Identifiers: Orphanet 636, MedGen C0027831, MONDO:0018975, OMIM 162200. Disease mechanism: loss of function.

Submission:

Labcorp Genetics (formerly Invitae), Labcorp
Classification: Pathogenic for Neurofibromatosis, type 1. Last evaluated: 2022-06-14. Review status: criteria provided, single submitter. Criteria: Invitae Variant Classification Sherloc (09022015). Collection method: clinical testing. Allele origin: germline.
Comment: For these reasons, this variant has been classified as Pathogenic. This variant disrupts a region of the NF1 protein in which other variant(s) (p.Phe1863Leu) have been determined to be pathogenic (PMID: 27838393; Invitae). This suggests that this is a clinically significant region of the protein, and that variants that disrupt it are likely to be disease-causing. This variant has not been reported in the literature in individuals affected with NF1-related conditions. This variant results in the deletion of part of exon 37 and exons 38-46 of the NF1 gene.

Literature cited by the submitters: PubMed 27838393.